The following is an entry in ClinVar:

ClinVar aggregate classification (germline): Uncertain significance. Review status: criteria provided, multiple submitters, no conflicts (2 of 4 stars). 2 submissions from 2 submitters: Uncertain significance (2). Last evaluated 2025-08-03.

Allele frequency attached by ClinVar (database versions not stated): gnomAD 0.00001; TOPMed 0.00001; gnomAD exomes 0.00002 and 0.00001; ExAC 0.00001.
gnomAD v4.1: 17 of 1,613,832 alleles (0.0011%); highest among the groups gnomAD compares: Non-Finnish European, 0.0013%; no homozygotes.

Submissions (2):

GeneDx
Classification: Uncertain significance. Last evaluated: 2025-08-03. Review status: criteria provided, single submitter. Criteria: GeneDx Variant Classification Process June 2021. Collection method: clinical testing. Allele origin: germline. Affected: yes.
Comment: Reported as a germline heterozygous variant in a proband with alveolar rhabdomyosarcoma, but a second variant in this gene was not provided, and detailed clinical information and familial segregation information were not provided (PMID: 39037077); Not observed at significant frequency in large population cohorts (gnomAD); In silico analysis supports that this missense variant has a deleterious effect on protein structure/function; This variant is associated with the following publications: (PMID: 39037077)

Labcorp Genetics (formerly Invitae), Labcorp
Classification: Uncertain significance. Last evaluated: 2021-09-01. Review status: criteria provided, single submitter. Criteria: Invitae Variant Classification Sherloc (09022015). Collection method: clinical testing. Allele origin: germline.
Comment: This sequence change replaces alanine with valine at codon 815 of the MYO5B protein (p.Ala815Val). The alanine residue is moderately conserved and there is a small physicochemical difference between alanine and valine. This variant is present in population databases (rs748227747, ExAC 0.006%). This variant has not been reported in the literature in individuals affected with MYO5B-related conditions. Algorithms developed to predict the effect of missense changes on protein structure and function are either unavailable or do not agree on the potential impact of this missense change (SIFT: "Deleterious"; PolyPhen-2: "Probably Damaging"; Align-GVGD: "Class C0"). In summary, the available evidence is currently insufficient to determine the role of this variant in disease. Therefore, it has been classified as a Variant of Uncertain Significance.

NM_001080467.3(MYO5B):c.2444C>T (p.Ala815Val)

Gene: MYO5B (myosin VB; minus strand). Cytogenetic location: 18q21.1.
Variant type: single nucleotide variant.
Coding change: c.2444C>T on transcript NM_001080467.3 (MANE Select); coding-DNA position 2444, C replaced by T.
Protein change: p.Ala815Val; replaces alanine 815 with valine.
Molecular consequence: missense variant.
Genome position (GRCh38, 1-based): chr18:49,904,799, G>A on the plus strand (C>T on the coding strand, the complement: MYO5B is on the minus strand). VCF-style: chr18-49904799-G-A. GRCh37 (hg19) VCF-style: chr18-47431169-G-A.
Other names: c.2444C>T (NM_001080467.2); short protein forms A815V.
Identifiers: ClinVar variation 1429303 (VCV001429303.6), dbSNP rs748227747, ClinGen allele CA8961075.